The following is an entry in ClinVar:

NM_006017.3(PROM1):c.2480T>C (p.Val827Ala)

Gene: PROM1 (prominin 1; minus strand). Cytogenetic location: 4p15.32.
Variant type: single nucleotide variant.
Coding change: c.2480T>C on transcript NM_006017.3 (MANE Select); coding-DNA position 2480, T replaced by C.
Protein change: p.Val827Ala; replaces valine 827 with alanine.
Molecular consequence: missense variant.
Genome position (GRCh38, 1-based): chr4:15,980,431, A>G on the plus strand (T>C on the coding strand, the complement: PROM1 is on the minus strand). VCF-style: chr4-15980431-A-G. GRCh37 (hg19) VCF-style: chr4-15982054-A-G.
Other names: c.2453T>C, p.Val818Ala (NM_001145847.2, NM_001145848.2, NM_001145851.2 and 4 more transcripts); c.2480T>C, p.Val827Ala (NM_001145849.2, NM_001145850.2); short protein forms V827A, V818A.
Identifiers: ClinVar variation 347974 (VCV000347974.8), dbSNP rs886059198, ClinGen allele CA10620367.

ClinVar aggregate classification (germline): Uncertain significance. Review status: criteria provided, multiple submitters, no conflicts (2 of 4 stars). 5 submissions from 2 submitters: Uncertain significance (5). Last evaluated 2023-11-11.

Conditions:
Cone-rod dystrophy 12 (CORD12). Identifiers: Orphanet 1872, MedGen C2675210, MONDO:0012983, OMIM 612657.
Retinal macular dystrophy type 2 (MCDR2). Also called: Bull's eye macular dystrophy. Identifiers: Orphanet 319640, MedGen C4749334, MONDO:0011957, OMIM 608051.
Retinitis pigmentosa (RP). Identifiers: Orphanet 791, MedGen C0035334, MeSH D012174, MONDO:0019200, OMIM 268000. Inheritance: Autosomal dominant, autosomal recessive and X linked inheritance.
Stargardt disease 4 (STGD4). Identifiers: Orphanet 827, MedGen C1863534, MONDO:0011370, OMIM 603786.

Submissions (5):

Labcorp Genetics (formerly Invitae), Labcorp
Classification: Uncertain significance. Last evaluated: 2023-11-11. Review status: criteria provided, single submitter. Criteria: Invitae Variant Classification Sherloc (09022015). Collection method: clinical testing. Allele origin: germline.
Comment: This sequence change replaces valine, which is neutral and non-polar, with alanine, which is neutral and non-polar, at codon 827 of the PROM1 protein (p.Val827Ala). This variant is not present in population databases (gnomAD no frequency). This variant has not been reported in the literature in individuals affected with PROM1-related conditions. ClinVar contains an entry for this variant (Variation ID: 347974). Advanced modeling of protein sequence and biophysical properties (such as structural, functional, and spatial information, amino acid conservation, physicochemical variation, residue mobility, and thermodynamic stability) performed at Invitae indicates that this missense variant is not expected to disrupt PROM1 protein function with a negative predictive value of 80%. In summary, the available evidence is currently insufficient to determine the role of this variant in disease. Therefore, it has been classified as a Variant of Uncertain Significance.

Illumina Laboratory Services, Illumina
Classification: Uncertain significance for Stargardt disease 4. Last evaluated: 2018-01-13. Review status: criteria provided, single submitter. Criteria: ICSL Variant Classification Criteria 13 December 2019. Collection method: clinical testing. Allele origin: germline.

Illumina Laboratory Services, Illumina
Classification: Uncertain significance for Cone-rod dystrophy 12. Last evaluated: 2018-01-13. Review status: criteria provided, single submitter. Criteria: ICSL Variant Classification Criteria 13 December 2019. Collection method: clinical testing. Allele origin: germline.

Illumina Laboratory Services, Illumina
Classification: Uncertain significance for Retinal macular dystrophy type 2. Last evaluated: 2018-01-13. Review status: criteria provided, single submitter. Criteria: ICSL Variant Classification Criteria 13 December 2019. Collection method: clinical testing. Allele origin: germline.

Illumina Laboratory Services, Illumina
Classification: Uncertain significance for Retinitis pigmentosa. Last evaluated: 2018-01-13. Review status: criteria provided, single submitter. Criteria: ICSL Variant Classification Criteria 13 December 2019. Collection method: clinical testing. Allele origin: germline.